The following is an entry in ClinVar:

ClinVar aggregate classification (germline): Uncertain significance (1 of 4 stars; one submission).

Conditions:
Nephronophthisis. Also called: Juvenile Nephronophthisis. Identifiers: Orphanet 655, MedGen C0687120, MONDO:0019005, HP:0000090.

Submission:

Labcorp Genetics (formerly Invitae), Labcorp
Classification: Uncertain significance for Nephronophthisis. Last evaluated: 2022-06-04. Review status: criteria provided, single submitter. Criteria: Invitae Variant Classification Sherloc (09022015). Collection method: clinical testing. Allele origin: germline.
Comment: This sequence change replaces threonine, which is neutral and polar, with alanine, which is neutral and non-polar, at codon 39 of the IQCB1 protein (p.Thr39Ala). In summary, the available evidence is currently insufficient to determine the role of this variant in disease. Therefore, it has been classified as a Variant of Uncertain Significance. Algorithms developed to predict the effect of missense changes on protein structure and function output the following: SIFT: "Tolerated"; PolyPhen-2: "Benign"; Align-GVGD: "Class C0". The alanine amino acid residue is found in multiple mammalian species, which suggests that this missense change does not adversely affect protein function. This variant has not been reported in the literature in individuals affected with IQCB1-related conditions. This variant is not present in population databases (gnomAD no frequency).

NM_001023570.4(IQCB1):c.115A>G (p.Thr39Ala)

Gene: IQCB1 (IQ motif containing B1; minus strand). Cytogenetic location: 3q13.33.
Variant type: single nucleotide variant.
Coding change: c.115A>G on transcript NM_001023570.4 (MANE Select); coding-DNA position 115, A replaced by G.
Protein change: p.Thr39Ala; replaces threonine 39 with alanine.
Molecular consequence: missense variant. On other transcripts: non-coding transcript variant (1).
Genome position (GRCh38, 1-based): chr3:121,828,618, T>C on the plus strand (A>G on the coding strand, the complement: IQCB1 is on the minus strand). VCF-style: chr3-121828618-T-C. GRCh37 (hg19) VCF-style: chr3-121547465-T-C.
Other names: c.115A>G, p.Thr39Ala (NM_001023571.4, NM_001319107.2); short protein forms T39A.
Identifiers: ClinVar variation 2069800 (VCV002069800.4), dbSNP rs2472528009, ClinGen allele CA354114361.